The following is an entry in ClinVar:

NM_000486.6(AQP2):c.460G>T (p.Gly154Ter)

Genes: AQP2 (aquaporin 2; plus strand), AQP5-AS1 (AQP5 and AQP2 antisense RNA 2; minus strand). Cytogenetic location: 12q13.12.
Variant type: single nucleotide variant.
Coding change: c.460G>T on transcript NM_000486.6 (MANE Select); coding-DNA position 460, G replaced by T.
Protein change: p.Gly154Ter; replaces glycine 154 with a stop codon.
Molecular consequence: nonsense. On other transcripts: non-coding transcript variant (1).
Genome position (GRCh38, 1-based): chr12:49,954,254, G>T. VCF-style: chr12-49954254-G-T. GRCh37 (hg19) VCF-style: chr12-50348037-G-T.
Other names: short protein forms G154*.
Identifiers: ClinVar variation 848236 (VCV000848236.7), dbSNP rs369214822, ClinGen allele CA384773818.

ClinVar aggregate classification (germline): Pathogenic (1 of 4 stars; one submission).

Submission:

Labcorp Genetics (formerly Invitae), Labcorp
Classification: Pathogenic. Last evaluated: 2022-06-04. Review status: criteria provided, single submitter. Criteria: Invitae Variant Classification Sherloc (09022015). Collection method: clinical testing. Allele origin: germline.
Comment: For these reasons, this variant has been classified as Pathogenic. ClinVar contains an entry for this variant (Variation ID: 848236). This variant has not been reported in the literature in individuals affected with AQP2-related conditions. This variant is not present in population databases (gnomAD no frequency). This sequence change creates a premature translational stop signal (p.Gly154*) in the AQP2 gene. It is expected to result in an absent or disrupted protein product. Loss-of-function variants in AQP2 are known to be pathogenic (PMID: 9024277, 27156763).

Literature cited by the submitters: PubMed 9024277; PubMed 27156763.